The following is an entry in ClinVar:

ClinVar aggregate classification (germline): Likely benign (1 of 4 stars; one submission).

Allele frequency attached by ClinVar (database versions not stated): gnomAD exomes 0.00001; ExAC 0.00002.
gnomAD v4.1: 3 of 1,614,194 alleles (0.00019%); highest among the groups gnomAD compares: Admixed American, 0.005%; no homozygotes.

Submission:

CeGaT Center for Human Genetics Tuebingen
Classification: Likely benign. Last evaluated: 2022-11-01. Review status: criteria provided, single submitter. Criteria: CeGaT Center For Human Genetics Tuebingen Variant Classification Criteria Version 2. Collection method: clinical testing. Allele origin: germline. Affected: yes. Observed: 1 variant allele.
Comment: GRIN2B: BP4, BP7

NM_000834.5(GRIN2B):c.2997C>T (p.Ser999=)

Gene: GRIN2B (glutamate ionotropic receptor NMDA type subunit 2B; minus strand). Cytogenetic location: 12p13.1.
Variant type: single nucleotide variant.
Coding change: c.2997C>T on transcript NM_000834.5 (MANE Select); coding-DNA position 2997, C replaced by T.
Protein change: p.Ser999=; no amino-acid change (serine 999 retained).
Molecular consequence: synonymous variant.
Genome position (GRCh38, 1-based): chr12:13,564,241, G>A on the plus strand (C>T on the coding strand, the complement: GRIN2B is on the minus strand). VCF-style: chr12-13564241-G-A. GRCh37 (hg19) VCF-style: chr12-13717175-G-A.
Other names: c.2997C>T, p.Ser999= (NM_001413992.1).
Identifiers: ClinVar variation 2642747 (VCV002642747.24), dbSNP rs760531029, ClinGen allele CA6460958.